The following is an entry in ClinVar:

NM_003705.5(SLC25A12):c.1714G>A (p.Gly572Arg)

Gene: SLC25A12 (solute carrier family 25 member 12; minus strand). Cytogenetic location: 2q31.1.
Variant type: single nucleotide variant.
Coding change: c.1714G>A on transcript NM_003705.5 (MANE Select); coding-DNA position 1714, G replaced by A.
Protein change: p.Gly572Arg; replaces glycine 572 with arginine.
Molecular consequence: missense variant. On other transcripts: non-coding transcript variant (1).
Genome position (GRCh38, 1-based): chr2:171,787,819, C>T on the plus strand (G>A on the coding strand, the complement: SLC25A12 is on the minus strand). VCF-style: chr2-171787819-C-T. GRCh37 (hg19) VCF-style: chr2-172644329-C-T.
Other names: short protein forms G572R.
Identifiers: ClinVar variation 2037916 (VCV002037916.3), dbSNP rs2545151227, ClinGen allele CA349287744.

ClinVar aggregate classification (germline): Uncertain significance. Review status: criteria provided, multiple submitters, no conflicts (2 of 4 stars). 2 submissions from 2 submitters: Uncertain significance (2). Last evaluated 2025-12-20.

Allele frequency attached by ClinVar (database versions not stated): gnomAD exomes below 0.00001.
gnomAD v4.1: 1 of 1,614,224 alleles (0.000062%); highest among the groups gnomAD compares: South Asian, 0.0011%; no homozygotes.

Submissions (2):

Dasa
Classification: Uncertain significance. Last evaluated: 2025-12-20. Review status: criteria provided, single submitter. Criteria: DASA Assertion Criteria. Collection method: clinical testing. Allele origin: germline.
Comment: NM_003705.5(SLC25A12):c.1714G>A (p.Gly572Arg) is a missense variant that results in the substitution of glycine with arginine. This variant is rare in population databases. Computational prediction algorithms are consistent with a deleterious effect. The currently available literature and clinical evidence are not sufficient to establish a definitive association between this variant and the reported condition. Therefore, this variant is classified as a variant of uncertain significance.

Labcorp Genetics (formerly Invitae), Labcorp
Classification: Uncertain significance. Last evaluated: 2022-05-17. Review status: criteria provided, single submitter. Criteria: Invitae Variant Classification Sherloc (09022015). Collection method: clinical testing. Allele origin: germline.
Comment: This sequence change replaces glycine, which is neutral and non-polar, with arginine, which is basic and polar, at codon 572 of the SLC25A12 protein (p.Gly572Arg). This variant is not present in population databases (gnomAD no frequency). This variant has not been reported in the literature in individuals affected with SLC25A12-related conditions. Algorithms developed to predict the effect of missense changes on protein structure and function (SIFT, PolyPhen-2, Align-GVGD) all suggest that this variant is likely to be disruptive. In summary, the available evidence is currently insufficient to determine the role of this variant in disease. Therefore, it has been classified as a Variant of Uncertain Significance.